The following is an entry in ClinVar:

ClinVar aggregate classification (germline): Uncertain significance (1 of 4 stars; one submission).

Conditions:
Inborn genetic diseases. Identifiers: MedGen C0950123, MeSH D030342.

Submission:

Ambry Genetics
Classification: Uncertain significance for Inborn genetic diseases. Last evaluated: 2026-05-15. Review status: criteria provided, single submitter. Criteria: Ambry Variant Classification Scheme 2023. Collection method: clinical testing. Allele origin: germline.
Comment: The p.F171L variant (also known as c.511T>C), located in coding exon 2 of the GATA2 gene, results from a T to C substitution at nucleotide position 511. The phenylalanine at codon 171 is replaced by leucine, an amino acid with highly similar properties. This amino acid position is not well conserved in available vertebrate species. In addition, the in silico prediction for this alteration is inconclusive. Based on the available evidence, the clinical significance of this variant remains unclear.

NM_032638.5(GATA2):c.511T>C (p.Phe171Leu)

Gene: GATA2 (GATA binding protein 2; minus strand). Cytogenetic location: 3q21.3.
Variant type: single nucleotide variant.
Coding change: c.511T>C on transcript NM_032638.5 (MANE Select); coding-DNA position 511, T replaced by C.
Protein change: p.Phe171Leu; replaces phenylalanine 171 with leucine.
Molecular consequence: missense variant.
Genome position (GRCh38, 1-based): chr3:128,486,087, A>G on the plus strand (T>C on the coding strand, the complement: GATA2 is on the minus strand). VCF-style: chr3-128486087-A-G. GRCh37 (hg19) VCF-style: chr3-128204930-A-G.
Other names: c.511T>C, p.Phe171Leu (NM_001145661.2, NM_001145662.1); short protein forms F171L.
Identifiers: ClinVar variation 4857869 (VCV004857869.1).
Genomic context (GRCh38, chr3:128,486,087, plus strand): 5'-CAGCCCCCGTGGTGCTAGGGTCAGGAGACACTTCTTTGGGTGGCGTGGGTGGGAAGCCGA[A>G]AAGGTGGGAGCCAGAGTGGGCTGCTGTAGGGGTGAGGGAGGCCACTGAGCTCCCGCTGCC-3'
Protein context (NP_116027.2, residues 161-181): PTAAHSGSHL[Phe171Leu]GFPPTPPKEV